The following is an entry in ClinVar:

ClinVar aggregate classification (germline): Uncertain significance (1 of 4 stars; one submission).

Conditions:
Hereditary cancer-predisposing syndrome. Also called: Hereditary neoplastic syndrome; Neoplastic Syndromes, Hereditary; Tumor predisposition; Hereditary Cancer Syndrome. Identifiers: Orphanet 140162, MedGen C0027672, MeSH D009386, MONDO:0015356.

Submission:

Ambry Genetics
Classification: Uncertain significance for Hereditary cancer-predisposing syndrome. Last evaluated: 2025-01-08. Review status: criteria provided, single submitter. Criteria: Ambry Variant Classification Scheme 2023. Collection method: clinical testing. Allele origin: germline.
Comment: The p.G197V variant (also known as c.590G>T), located in coding exon 8 of the BAP1 gene, results from a G to T substitution at nucleotide position 590. The glycine at codon 197 is replaced by valine, an amino acid with dissimilar properties. This amino acid position is conserved. In addition, this alteration is predicted to be tolerated by in silico analysis. Based on the available evidence, the clinical significance of this variant remains unclear.

NM_004656.4(BAP1):c.590G>T (p.Gly197Val)

Gene: BAP1 (BRCA1 associated deubiquitinase 1; minus strand). Cytogenetic location: 3p21.1.
Variant type: single nucleotide variant.
Coding change: c.590G>T on transcript NM_004656.4 (MANE Select); coding-DNA position 590, G replaced by T.
Protein change: p.Gly197Val; replaces glycine 197 with valine.
Molecular consequence: missense variant.
Genome position (GRCh38, 1-based): chr3:52,406,898, C>A on the plus strand (G>T on the coding strand, the complement: BAP1 is on the minus strand). VCF-style: chr3-52406898-C-A. GRCh37 (hg19) VCF-style: chr3-52440914-C-A.
Other names: c.590G>T, p.Gly197Val (NM_001410772.1); short protein forms G197V.
Identifiers: ClinVar variation 3818607 (VCV003818607.1).